The following is an entry in ClinVar:

NM_144631.6(ZNF513):c.1334G>A (p.Arg445Gln)

Genes: ZNF513 (zinc finger protein 513; minus strand), LOC129933376 (ATAC-STARR-seq lymphoblastoid active region 15506; plus strand). Cytogenetic location: 2p23.3.
Variant type: single nucleotide variant.
Coding change: c.1334G>A on transcript NM_144631.6 (MANE Select); coding-DNA position 1334, G replaced by A.
Protein change: p.Arg445Gln; replaces arginine 445 with glutamine.
Molecular consequence: missense variant.
Genome position (GRCh38, 1-based): chr2:27,377,837, C>T on the plus strand (G>A on the coding strand, the complement: ZNF513 is on the minus strand). VCF-style: chr2-27377837-C-T. GRCh37 (hg19) VCF-style: chr2-27600704-C-T.
Other names: c.1334G>A (NM_144631.5); c.1148G>A, p.Arg383Gln (NM_001201459.2); short protein forms R445Q, R383Q.
Identifiers: ClinVar variation 1362238 (VCV001362238.8), dbSNP rs200729569, ClinGen allele CA1577823.

ClinVar aggregate classification (germline): Uncertain significance. Review status: criteria provided, multiple submitters, no conflicts (2 of 4 stars). 3 submissions from 3 submitters: Uncertain significance (3). Last evaluated 2023-12-06.

Allele frequency attached by ClinVar (database versions not stated): gnomAD 0.00002 and 0.00003; gnomAD exomes 0.00003; TOPMed 0.00003; ExAC 0.00004; 1000 Genomes Project 0.00020; 1000 Genomes Project 30x 0.00031.
gnomAD v4.1: 68 of 1,613,944 alleles (0.0042%); highest among the groups gnomAD compares: East Asian, 0.0089%; no homozygotes.

Submissions (3):

Ambry Genetics
Classification: Uncertain significance. Last evaluated: 2023-12-06. Review status: criteria provided, single submitter. Criteria: Ambry Variant Classification Scheme 2023. Collection method: clinical testing. Allele origin: germline.

Labcorp Genetics (formerly Invitae), Labcorp
Classification: Uncertain significance. Last evaluated: 2022-12-14. Review status: criteria provided, single submitter. Criteria: Invitae Variant Classification Sherloc (09022015). Collection method: clinical testing. Allele origin: germline.
Comment: This sequence change replaces arginine, which is basic and polar, with glutamine, which is neutral and polar, at codon 445 of the ZNF513 protein (p.Arg445Gln). This variant is present in population databases (rs200729569, gnomAD 0.01%). This variant has not been reported in the literature in individuals affected with ZNF513-related conditions. ClinVar contains an entry for this variant (Variation ID: 1362238). Algorithms developed to predict the effect of missense changes on protein structure and function are either unavailable or do not agree on the potential impact of this missense change (SIFT: "Tolerated"; PolyPhen-2: "Possibly Damaging"; Align-GVGD: "Class C0"). Algorithms developed to predict the effect of sequence changes on RNA splicing suggest that this variant may create or strengthen a splice site. In summary, the available evidence is currently insufficient to determine the role of this variant in disease. Therefore, it has been classified as a Variant of Uncertain Significance.

Blueprint Genetics
Classification: Uncertain significance. Last evaluated: 2022-04-01. Review status: criteria provided, single submitter. Criteria: ACMG Guidelines, 2015. Collection method: clinical testing. Allele origin: germline.